The following is an entry in ClinVar:

ClinVar aggregate classification (germline): Likely pathogenic (1 of 4 stars; one submission).

Conditions:
Dilated cardiomyopathy 1DD (CMD1DD). Identifiers: Orphanet 154, MedGen C2750995, MONDO:0013168, OMIM 613172.

gnomAD v4.1: 2 of 1,551,328 alleles (0.00013%); highest among the groups gnomAD compares: Non-Finnish European, 0.00017%; no homozygotes.

Submission:

Labcorp Genetics (formerly Invitae), Labcorp
Classification: Likely pathogenic for Dilated cardiomyopathy 1DD. Last evaluated: 2026-01-21. Review status: criteria provided, single submitter. Criteria: Invitae Variant Classification Sherloc (09022015). Collection method: clinical testing. Allele origin: germline.
Comment: This sequence change affects a donor splice site in intron 12 of the RBM20 gene. It is expected to disrupt RNA splicing. Variants that disrupt the donor or acceptor splice site typically lead to a loss of protein function (PMID: 16199547), and loss-of-function variants in RBM20 are known to be pathogenic (PMID: 20590677, 22004663, 38288598, 38510713, 40339755). This variant is present in population databases (no rsID available, gnomAD 0.007%). This variant has not been reported in the literature in individuals affected with RBM20-related conditions. Algorithms developed to predict the effect of sequence changes on RNA splicing suggest that this variant may disrupt the consensus splice site. In summary, the currently available evidence indicates that the variant is pathogenic, but additional data are needed to prove that conclusively. Therefore, this variant has been classified as Likely Pathogenic.

Literature cited by the submitters: PubMed 16199547; PubMed 20590677; PubMed 22004663; PubMed 38288598; PubMed 38510713; PubMed 40339755.

NM_001134363.3(RBM20):c.3451+2T>G

Gene: RBM20 (RNA binding motif protein 20; plus strand). Cytogenetic location: 10q25.2.
Variant type: single nucleotide variant.
Coding change: c.3451+2T>G on transcript NM_001134363.3 (MANE Select); the canonical splice donor site of the intron after coding-DNA position 3451, T replaced by G.
Molecular consequence: splice donor variant.
Genome position (GRCh38, 1-based): chr10:110,823,616, T>G. VCF-style: chr10-110823616-T-G. GRCh37 (hg19) VCF-style: chr10-112583374-T-G.
Identifiers: ClinVar variation 4747766 (VCV004747766.1).